The following is an entry in ClinVar:

NM_024422.6(DSC2):c.1058C>G (p.Pro353Arg)

Gene: DSC2 (desmocollin 2; minus strand). Cytogenetic location: 18q12.1.
Variant type: single nucleotide variant.
Coding change: c.1058C>G on transcript NM_024422.6 (MANE Select); coding-DNA position 1058, C replaced by G.
Protein change: p.Pro353Arg; replaces proline 353 with arginine.
Molecular consequence: missense variant.
Genome position (GRCh38, 1-based): chr18:31,082,945, G>C on the plus strand (C>G on the coding strand, the complement: DSC2 is on the minus strand). VCF-style: chr18-31082945-G-C. GRCh37 (hg19) VCF-style: chr18-28662911-G-C.
Other names: c.629C>G, p.Pro210Arg (NM_001406506.1, NM_001406507.1); c.1058C>G, p.Pro353Arg (NM_004949.5); short protein forms P210R, P353R.
Identifiers: ClinVar variation 3227836 (VCV003227836.1), dbSNP rs1208688367, ClinGen allele CA402110388.

ClinVar aggregate classification (germline): Uncertain significance (1 of 4 stars; one submission).

Conditions:
Cardiovascular phenotype. Identifiers: MedGen CN230736.

Allele frequency attached by ClinVar (database versions not stated): gnomAD exomes below 0.00001.
gnomAD v4.1: 1 of 1,613,418 alleles (0.000062%); highest among the groups gnomAD compares: Non-Finnish European, 0.000085%; no homozygotes.

Submission:

Ambry Genetics
Classification: Uncertain significance for Cardiovascular phenotype. Last evaluated: 2023-12-21. Review status: criteria provided, single submitter. Criteria: Ambry Variant Classification Scheme 2023. Collection method: clinical testing. Allele origin: germline.
Comment: The p.P353R variant (also known as c.1058C>G), located in coding exon 8 of the DSC2 gene, results from a C to G substitution at nucleotide position 1058. The proline at codon 353 is replaced by arginine, an amino acid with dissimilar properties. This amino acid position is conserved. In addition, this alteration is predicted to be deleterious by in silico analysis. Since supporting evidence is limited at this time, the clinical significance of this alteration remains unclear.